The following is an entry in ClinVar:

NM_006939.4(SOS2):c.1708C>T (p.Pro570Ser)

Gene: SOS2 (SOS Ras/Rho guanine nucleotide exchange factor 2; minus strand). Cytogenetic location: 14q21.3.
Variant type: single nucleotide variant.
Coding change: c.1708C>T on transcript NM_006939.4 (MANE Select); coding-DNA position 1708, C replaced by T.
Protein change: p.Pro570Ser; replaces proline 570 with serine.
Molecular consequence: missense variant.
Genome position (GRCh38, 1-based): chr14:50,159,575, G>A on the plus strand (C>T on the coding strand, the complement: SOS2 is on the minus strand). VCF-style: chr14-50159575-G-A. GRCh37 (hg19) VCF-style: chr14-50626293-G-A.
Other names: c.1609C>T, p.Pro537Ser (NM_001411020.1); short protein forms P570S, P537S.
Identifiers: ClinVar variation 2764895 (VCV002764895.3), dbSNP rs2502988528, ClinGen allele CA389645154.

ClinVar aggregate classification (germline): Uncertain significance (1 of 4 stars; one submission).

Conditions:
Noonan syndrome 9 (NS9). Identifiers: Orphanet 648, MedGen C4225282, MONDO:0014691, OMIM 616559.

Submission:

Labcorp Genetics (formerly Invitae), Labcorp
Classification: Uncertain significance for Noonan syndrome 9. Last evaluated: 2024-10-25. Review status: criteria provided, single submitter. Criteria: Invitae Variant Classification Sherloc (09022015). Collection method: clinical testing. Allele origin: germline.
Comment: This sequence change replaces proline, which is neutral and non-polar, with serine, which is neutral and polar, at codon 570 of the SOS2 protein (p.Pro570Ser). This variant is not present in population databases (gnomAD no frequency). This variant has not been reported in the literature in individuals affected with SOS2-related conditions. Invitae Evidence Modeling of protein sequence and biophysical properties (such as structural, functional, and spatial information, amino acid conservation, physicochemical variation, residue mobility, and thermodynamic stability) indicates that this missense variant is not expected to disrupt SOS2 protein function with a negative predictive value of 95%. In summary, the available evidence is currently insufficient to determine the role of this variant in disease. Therefore, it has been classified as a Variant of Uncertain Significance.